The following is an entry in ClinVar:

ClinVar aggregate classification (germline): Uncertain significance (1 of 4 stars; one submission).

Conditions:
Hereditary cancer-predisposing syndrome. Also called: Neoplastic Syndromes, Hereditary; Tumor predisposition; Hereditary neoplastic syndrome; Hereditary Cancer Syndrome. Identifiers: Orphanet 140162, MedGen C0027672, MeSH D009386, MONDO:0015356.

Allele frequency attached by ClinVar (database versions not stated): gnomAD 0.00001.
gnomAD v4.1: 1 of 1,613,742 alleles (0.000062%); highest among the groups gnomAD compares: Non-Finnish European, 0.000085%; no homozygotes.

Submission:

Ambry Genetics
Classification: Uncertain significance for Hereditary cancer-predisposing syndrome. Last evaluated: 2025-10-14. Review status: criteria provided, single submitter. Criteria: Ambry Variant Classification Scheme 2023. Collection method: clinical testing. Allele origin: germline.
Comment: The p.N261H variant (also known as c.781A>C), located in coding exon 7 of the NBN gene, results from an A to C substitution at nucleotide position 781. The asparagine at codon 261 is replaced by histidine, an amino acid with similar properties. This amino acid position is conserved. In addition, this alteration is predicted to be tolerated by in silico analysis. Since supporting evidence is limited at this time, the clinical significance of this alteration remains unclear.

NM_002485.5(NBN):c.781A>C (p.Asn261His)

Gene: NBN (nibrin; minus strand). Cytogenetic location: 8q21.3.
Variant type: single nucleotide variant.
Coding change: c.781A>C on transcript NM_002485.5 (MANE Select); coding-DNA position 781, A replaced by C.
Protein change: p.Asn261His; replaces asparagine 261 with histidine.
Molecular consequence: missense variant.
Genome position (GRCh38, 1-based): chr8:89,970,479, T>G on the plus strand (A>C on the coding strand, the complement: NBN is on the minus strand). VCF-style: chr8-89970479-T-G. GRCh37 (hg19) VCF-style: chr8-90982707-T-G.
Other names: c.535A>C, p.Asn179His (NM_001024688.3); short protein forms N179H, N261H.
Identifiers: ClinVar variation 2452412 (VCV002452412.3), dbSNP rs1382088021, ClinGen allele CA371658671.